The following is an entry in ClinVar:

NM_017780.4(CHD7):c.7631C>G (p.Ala2544Gly)

Gene: CHD7 (chromodomain helicase DNA binding protein 7; plus strand). Cytogenetic location: 8q12.2.
Variant type: single nucleotide variant.
Coding change: c.7631C>G on transcript NM_017780.4 (MANE Select); coding-DNA position 7631, C replaced by G.
Protein change: p.Ala2544Gly; replaces alanine 2544 with glycine.
Molecular consequence: missense variant. On other transcripts: intron variant (1).
Genome position (GRCh38, 1-based): chr8:60,860,926, C>G. VCF-style: chr8-60860926-C-G. GRCh37 (hg19) VCF-style: chr8-61773485-C-G.
Other names: c.1717-1303C>G (NM_001316690.1); short protein forms A2544G.
Identifiers: ClinVar variation 4804149 (VCV004804149.1).
Genomic context (GRCh38, chr8:60,860,926, plus strand): 5'-TTCGTGTGAGAATTCATACCATTGTGAACTTTCTGCAGGAGGATGCTGAGGTGACCAAAG[C>G]TTTTGAAGAAGATATAGAGACCCCACCAACAAGAAACATTCCTTCTCCCGGACAGCTGGA-3'
Protein context (NP_060250.2, residues 2534-2554): LSAEDAEVTK[Ala2544Gly]FEEDIETPPT

ClinVar aggregate classification (germline): Uncertain significance (1 of 4 stars; one submission).

Conditions:
CHARGE syndrome (CHARGE). Also called: Hittner Hirsch Kreh syndrome; CHARGE ASSOCIATION--COLOBOMA, HEART ANOMALY, CHOANAL ATRESIA, RETARDATION, GENITAL AND EAR ANOMALIES; Coloboma, heart anomaly, choanal atresia, retardation, genital and ear anomalies; CHARGE association; Hall-Hittner syndrome. Identifiers: Orphanet 138, MedGen C0265354, MONDO:0008965.

gnomAD v4.1: 1 of 1,613,534 alleles (0.000062%); highest among the groups gnomAD compares: Non-Finnish European, 0.000085%; no homozygotes.

Submission:

Labcorp Genetics (formerly Invitae), Labcorp
Classification: Uncertain significance for CHARGE syndrome. Last evaluated: 2025-09-21. Review status: criteria provided, single submitter. Criteria: Invitae Variant Classification Sherloc (09022015). Collection method: clinical testing. Allele origin: germline.
Comment: This sequence change replaces alanine, which is neutral and non-polar, with glycine, which is neutral and non-polar, at codon 2544 of the CHD7 protein (p.Ala2544Gly). This variant is not present in population databases (gnomAD no frequency). This variant has not been reported in the literature in individuals affected with CHD7-related conditions. Invitae Evidence Modeling of protein sequence and biophysical properties (such as structural, functional, and spatial information, amino acid conservation, physicochemical variation, residue mobility, and thermodynamic stability) indicates that this missense variant is not expected to disrupt CHD7 protein function with a negative predictive value of 80%. In summary, the available evidence is currently insufficient to determine the role of this variant in disease. Therefore, it has been classified as a Variant of Uncertain Significance.